The following is an entry in ClinVar:

NM_000051.4(ATM):c.1271C>A (p.Pro424His)

Gene: ATM (ATM serine/threonine kinase; plus strand). Cytogenetic location: 11q22.3.
Variant type: single nucleotide variant.
Coding change: c.1271C>A on transcript NM_000051.4 (MANE Select); coding-DNA position 1271, C replaced by A.
Protein change: p.Pro424His; replaces proline 424 with histidine.
Molecular consequence: missense variant.
Genome position (GRCh38, 1-based): chr11:108,250,736, C>A. VCF-style: chr11-108250736-C-A. GRCh37 (hg19) VCF-style: chr11-108121463-C-A.
Other names: p.Pro424His; c.1271C>A, p.Pro424His (NM_001351834.2); short protein forms P424H.
Identifiers: ClinVar variation 185031 (VCV000185031.58), dbSNP rs147472613, ClinGen allele CA190822.

ClinVar aggregate classification (germline): Conflicting classifications of pathogenicity. Review status: criteria provided, conflicting classifications (1 of 4 stars). 13 submissions from 13 submitters: Uncertain significance (10); Likely benign (2). 1 of the submissions does not count toward it. Last evaluated 2026-01-19.

Conditions:
Familial colorectal cancer type X. Identifiers: Orphanet 440437, MedGen C3896578, MONDO:0018604.
Hereditary cancer-predisposing syndrome. Also called: Tumor predisposition; Neoplastic Syndromes, Hereditary; Hereditary Cancer Syndrome; Hereditary neoplastic syndrome. Identifiers: Orphanet 140162, MedGen C0027672, MeSH D009386, MONDO:0015356.
Familial cancer of breast. Also called: hereditary breast carcinoma; BREAST CANCER, FAMILIAL; Hereditary breast cancer. Identifiers: Orphanet 227535, MedGen C0346153, MONDO:0016419, OMIM 114480. Disease mechanism: loss of function.
Ataxia-telangiectasia syndrome (AT). Also called: LOUIS-BAR SYNDROME; Ataxia-telangiectasia, complementation group D; Ataxia telangiectasia (A-T); AT, COMPLEMENTATION GROUP C; ATAXIA-TELANGIECTASIA, COMPLEMENTATION GROUP A; ATAXIA-TELANGIECTASIA, FRESNO VARIANT. Identifiers: Orphanet 100, MedGen C0004135, MONDO:0008840, OMIM 208900.

Allele frequency attached by ClinVar (database versions not stated): gnomAD 0.00002; gnomAD exomes 0.00002; TOPMed 0.00002; ESP Exome Variant Server 0.00008; ExAC 0.00002.
gnomAD v4.1: 17 of 1,608,144 alleles (0.0011%); highest among the groups gnomAD compares: Non-Finnish European, 0.0014%; no homozygotes.

Submissions (13):

Labcorp Genetics (formerly Invitae), Labcorp
Classification: Likely benign for Ataxia-telangiectasia syndrome. Last evaluated: 2026-01-19. Review status: criteria provided, single submitter. Criteria: Invitae Variant Classification Sherloc (09022015). Collection method: clinical testing. Allele origin: germline.

Mayo Clinic Laboratories, Mayo Clinic
Classification: Uncertain significance. Last evaluated: 2025-11-21. Review status: criteria provided, single submitter. Criteria: ACMG Guidelines, 2015. Collection method: clinical testing. Allele origin: germline. Observed: 1 variant allele.

Athena Diagnostics
Classification: Uncertain significance. Last evaluated: 2025-08-05. Review status: criteria provided, single submitter. Criteria: Athena Diagnostics Criteria. Collection method: clinical testing. Allele origin: unknown.
Comment: Available data are insufficient to determine the clinical significance of the variant at this time. The frequency of this variant in the general population is uninformative in assessment of its pathogenicity. Polyphen and MutationTaster predict this amino acid change may be damaging to the protein.

Quest Diagnostics Nichols Institute San Juan Capistrano
Classification: Uncertain significance. Last evaluated: 2025-08-05. Review status: criteria provided, single submitter. Criteria: Quest Diagnostics criteria. Collection method: clinical testing. Allele origin: unknown.
Comment: The ATM c.1271C>A (p.Pro424His) variant has been reported in the published literature in individuals affected with breast cancer (PMIDs: 25186627 (2015), 30086788 (2018), 30613976 (2019)), ovarian cancer (PMID: 29866652 (2018)), and prostate cancer (PMID: 33436325 (2021)). This variant also has been identified in reportedly healthy individuals (PMIDs: 28652578 (2017), 34262154 (2021)). The frequency of this variant in the general population (Genome Aggregation Database) is uninformative in the assessment of its pathogenicity. Analysis of this variant using bioinformatics tools for the prediction of the effect of amino acid changes on protein structure and function yielded predictions that this variant is damaging. Based on the available information, we are unable to determine the clinical significance of this variant.

GeneDx
Classification: Uncertain significance. Last evaluated: 2025-05-12. Review status: criteria provided, single submitter. Criteria: GeneDx Variant Classification Process June 2021. Collection method: clinical testing. Allele origin: germline. Affected: yes.
Comment: Not observed at significant frequency in large population cohorts (gnomAD); In silico analysis supports that this missense variant has a deleterious effect on protein structure/function; Observed in individuals with prostate or breast cancer (PMID: 33436325, 30086788); This variant is associated with the following publications: (PMID: 30613976, 29866652, 28652578, 30086788, 33436325, 25186627)

Ambry Genetics
Classification: Uncertain significance for Hereditary cancer-predisposing syndrome. Last evaluated: 2025-04-08. Review status: criteria provided, single submitter. Criteria: Ambry Variant Classification Scheme 2023. Collection method: clinical testing. Allele origin: germline.
Comment: The p.P424H variant (also known as c.1271C>A), located in coding exon 9 of the ATM gene, results from a C to A substitution at nucleotide position 1271. The proline at codon 424 is replaced by histidine, an amino acid with similar properties. This alteration has been reported in individuals with breast cancer, including male breast cancer (Tung N et al. Cancer, 2015 Jan;121:25-33; Penkert J et al. Breast Cancer Res, 2018 Aug;20:87; Rizzolo P et al. Int J Cancer, 2019 Jul;145:390-400). This variant was reported in 1/5560 prostate cancer cases and in 0/3353 controls of European ancestry (Karlsson Q et al. Eur Urol Oncol, 2021 Aug;4:570-579). This amino acid position is highly conserved in available vertebrate species. In addition, this alteration is predicted to be tolerated by in silico analysis. Since supporting evidence is limited at this time, the clinical significance of this alteration remains unclear.

CeGaT Center for Human Genetics Tuebingen
Classification: Uncertain significance. Last evaluated: 2025-04-01. Review status: criteria provided, single submitter. Criteria: CeGaT Center For Human Genetics Tuebingen Variant Classification Criteria Version 2. Collection method: clinical testing. Allele origin: germline. Affected: yes. Observed: 2 variant alleles.
Comment: ATM: PM2

Myriad Genetics, Inc.
Classification: Likely benign for Familial cancer of breast. Last evaluated: 2024-04-26. Review status: criteria provided, single submitter. Criteria: Myriad Autosomal Dominant, Autosomal Recessive and X-Linked Classification Criteria (2023). Collection method: clinical testing. Allele origin: unknown.
Comment: This variant is considered likely benign. This variant is strongly associated with less severe personal and family histories of cancer, typical for individuals without pathogenic variants in this gene [PMID: 25085752].

Baylor Genetics
Classification: Uncertain significance for Familial cancer of breast. Last evaluated: 2024-03-26. Review status: criteria provided, single submitter. Criteria: ACMG Guidelines, 2015. Collection method: clinical testing. Allele origin: unknown.

Color Diagnostics, LLC DBA Color Health
Classification: Uncertain significance for Hereditary cancer-predisposing syndrome. Last evaluated: 2023-12-06. Review status: criteria provided, single submitter. Criteria: ACMG Guidelines, 2015. Collection method: clinical testing. Allele origin: germline.
Comment: This missense variant replaces proline with histidine at codon 424 of the ATM protein. Computational prediction suggests that this variant may not impact protein structure and function. To our knowledge, functional studies have not been reported for this variant. This variant has been observed in an individual with female breast cancer (PMID: 30086788), male breast cancer (PMID: 30613976), and prostate cancer (PMID: 33436325). This variant has been identified in 6/279764 chromosomes in the general population by the Genome Aggregation Database (gnomAD). The available evidence is insufficient to determine the role of this variant in disease conclusively. Therefore, this variant is classified as a Variant of Uncertain Significance.

Department of Pathology and Laboratory Medicine, Sinai Health System
Classification: Uncertain significance for Familial colorectal cancer type X. Last evaluated: 2020-02-11. Review status: criteria provided, single submitter. Criteria: ACMG Guidelines, 2015. Collection method: clinical testing. Allele origin: germline. Affected: yes.

Women's Health and Genetics/Laboratory Corporation of America, LabCorp
Classification: Uncertain significance. Last evaluated: 2019-09-20. Review status: criteria provided, single submitter. Criteria: LabCorp Variant Classification Summary - May 2015. Collection method: clinical testing. Allele origin: germline.
Comment: Variant summary: ATM c.1271C>A (p.Pro424His) results in a non-conservative amino acid change in the encoded protein sequence. Four of five in-silico tools predict a damaging effect of the variant on protein function. The variant allele was found at a frequency of 1.6e-05 in 248784 control chromosomes (gnomAD). The available data on variant occurrences in the general population are insufficient to allow any conclusion about variant significance. c.1271C>A has been reported in the literature in individuals affected with Breast Cancer (Penkert_2018, Tung_2015), however without strong evidence of causality. These reports therefore, do not provide unequivocal conclusions about association of the variant with Breast Cancer. To our knowledge, no experimental evidence demonstrating an impact on protein function has been reported. Four ClinVar submitters (evaluation after 2014) cite the variant as uncertain significance. Based on the evidence outlined above, the variant was classified as uncertain significance.

Natera, Inc.
Classification: Uncertain significance for Ataxia-telangiectasia. Last evaluated: 2021-02-18. Review status: no assertion criteria provided. Collection method: clinical testing. Allele origin: germline. Not counted in ClinVar's aggregate classification.

Literature cited by the submitters: PubMed 38153744 (cited by Athena Diagnostics and Quest Diagnostics Nichols Institute San Juan Capistrano); PubMed 25186627 (cited by 4 submitters); PubMed 29866652 (cited by 3 submitters); PubMed 30086788 (cited by 6 submitters); PubMed 30613976 (cited by 4 submitters); PubMed 33436325 (cited by Ambry Genetics and Color Diagnostics, LLC DBA Color Health); PubMed 25085752 (cited by Myriad Genetics, Inc.); PubMed 28652578 (cited by Women's Health and Genetics/Laboratory Corporation of America, LabCorp).